The following is an entry in ClinVar:

NM_001145475.3(FAM186A):c.4860C>G (p.Ala1620=)

Gene: FAM186A (family with sequence similarity 186 member A; minus strand). Cytogenetic location: 12q13.12.
Variant type: single nucleotide variant.
Coding change: c.4860C>G on transcript NM_001145475.3 (MANE Select); coding-DNA position 4860, C replaced by G.
Protein change: p.Ala1620=; no amino-acid change (alanine 1620 retained).
Molecular consequence: synonymous variant.
Genome position (GRCh38, 1-based): chr12:50,351,972, G>C on the plus strand (C>G on the coding strand, the complement: FAM186A is on the minus strand). VCF-style: chr12-50351972-G-C. GRCh37 (hg19) VCF-style: chr12-50745755-G-C.
Identifiers: ClinVar variation 2672503 (VCV002672503.23), dbSNP rs1238434684, ClinGen allele CA479769090.
Genomic context (GRCh38, chr12:50,351,972, plus strand): 5'-GGTGAGAGTGATCCCCTGAGCCTGCGCCTGCTGAGGGGTGAGAGAGATCCCCAGAGCCTG[G>C]GCCTGCTGAGGGGTGAGAGGGATCCCCTGAGCCTGCGCCTGCTGAGGGGTGAGAGGGATC-3'
Protein context (NP_001138947.1, residues 1610-1630): AQGIPLTPQQ[Ala1620=]QALGISLTPQ

ClinVar aggregate classification (germline): Likely benign (1 of 4 stars; one submission).

Allele frequency attached by ClinVar (database versions not stated): gnomAD exomes below 0.00001.

Submission:

CeGaT Center for Human Genetics Tuebingen
Classification: Likely benign. Last evaluated: 2023-11-01. Review status: criteria provided, single submitter. Criteria: CeGaT Center For Human Genetics Tuebingen Variant Classification Criteria Version 2. Collection method: clinical testing. Allele origin: germline. Affected: yes. Observed: 1 variant allele.
Comment: FAM186A: BP4, BP7